The following is an entry in ClinVar:

NM_000428.3(LTBP2):c.550A>G (p.Asn184Asp)

Gene: LTBP2 (latent transforming growth factor beta binding protein 2; minus strand). Cytogenetic location: 14q24.3.
Variant type: single nucleotide variant.
Coding change: c.550A>G on transcript NM_000428.3 (MANE Select); coding-DNA position 550, A replaced by G.
Protein change: p.Asn184Asp; replaces asparagine 184 with aspartic acid.
Molecular consequence: missense variant.
Genome position (GRCh38, 1-based): chr14:74,603,650, T>C on the plus strand (A>G on the coding strand, the complement: LTBP2 is on the minus strand). VCF-style: chr14-74603650-T-C. GRCh37 (hg19) VCF-style: chr14-75070353-T-C.
Other names: short protein forms N184D.
Identifiers: ClinVar variation 1977528 (VCV001977528.2), dbSNP rs2503016179, ClinGen allele CA390386452.

ClinVar aggregate classification (germline): Uncertain significance (1 of 4 stars; one submission).

Allele frequency attached by ClinVar (database versions not stated): gnomAD exomes below 0.00001.
gnomAD v4.1: 1 of 1,614,220 alleles (0.000062%); highest among the groups gnomAD compares: Non-Finnish European, 0.000085%; no homozygotes.

Submission:

Labcorp Genetics (formerly Invitae), Labcorp
Classification: Uncertain significance. Last evaluated: 2022-08-06. Review status: criteria provided, single submitter. Criteria: Invitae Variant Classification Sherloc (09022015). Collection method: clinical testing. Allele origin: germline.
Comment: This sequence change replaces asparagine, which is neutral and polar, with aspartic acid, which is acidic and polar, at codon 184 of the LTBP2 protein (p.Asn184Asp). This variant is not present in population databases (gnomAD no frequency). This variant has not been reported in the literature in individuals affected with LTBP2-related conditions. Algorithms developed to predict the effect of missense changes on protein structure and function are either unavailable or do not agree on the potential impact of this missense change (SIFT: "Deleterious"; PolyPhen-2: "Benign"; Align-GVGD: "Class C15"). In summary, the available evidence is currently insufficient to determine the role of this variant in disease. Therefore, it has been classified as a Variant of Uncertain Significance.